The following is an entry in ClinVar:

ClinVar aggregate classification (germline): Uncertain significance (1 of 4 stars; one submission).

Allele frequency attached by ClinVar (database versions not stated): gnomAD 0.00001; TOPMed 0.00001; ExAC 0.00006.
gnomAD v4.1: 30 of 1,185,070 alleles (0.0025%); highest among the groups gnomAD compares: Non-Finnish European, 0.0033%; no homozygotes.

Submission:

Labcorp Genetics (formerly Invitae), Labcorp
Classification: Uncertain significance. Last evaluated: 2023-10-15. Review status: criteria provided, single submitter. Criteria: Invitae Variant Classification Sherloc (09022015). Collection method: clinical testing. Allele origin: germline.
Comment: This sequence change replaces arginine, which is basic and polar, with leucine, which is neutral and non-polar, at codon 498 of the GYG2 protein (p.Arg498Leu). The frequency data for this variant in the population databases is considered unreliable, as metrics indicate poor data quality at this position in the gnomAD database. This variant has not been reported in the literature in individuals affected with GYG2-related conditions. ClinVar contains an entry for this variant (Variation ID: 2176409). An algorithm developed to predict the effect of missense changes on protein structure and function (PolyPhen-2) suggests that this variant is likely to be disruptive. In summary, the available evidence is currently insufficient to determine the role of this variant in disease. Therefore, it has been classified as a Variant of Uncertain Significance.

NM_001079855.2(GYG2):c.1400G>T (p.Arg467Leu)

Gene: GYG2 (glycogenin 2; plus strand). Cytogenetic location: Xp22.33.
Variant type: single nucleotide variant.
Coding change: c.1400G>T on transcript NM_001079855.2 (MANE Select); coding-DNA position 1400, G replaced by T.
Protein change: p.Arg467Leu; replaces arginine 467 with leucine.
Molecular consequence: missense variant.
Genome position (GRCh38, 1-based): chrX:2,881,200, G>T. VCF-style: chrX-2881200-G-T. GRCh37 (hg19) VCF-style: chrX-2799241-G-T.
Other names: c.1397G>T, p.Arg466Leu (NM_001184702.2); c.1280G>T, p.Arg427Leu (NM_001184703.2); c.722G>T, p.Arg241Leu (NM_001184704.2); c.1493G>T, p.Arg498Leu (NM_003918.3); short protein forms R427L, R241L, R466L, R467L, R498L.
Identifiers: ClinVar variation 2176409 (VCV002176409.4), dbSNP rs760583657, ClinGen allele CA10337347.